The following is an entry in ClinVar:

ClinVar aggregate classification (germline): Benign/Likely benign. Review status: criteria provided, multiple submitters, no conflicts (2 of 4 stars). 3 submissions from 3 submitters: Benign (1); Likely benign (2). Last evaluated 2025-06-11.

Conditions:
Left ventricular noncompaction 8 (LVNC8). Identifiers: Orphanet 154, Orphanet 54260, MedGen C3809288, MONDO:0014152, OMIM 615373.

Allele frequency attached by ClinVar (database versions not stated): TOPMed 0.00005; 1000 Genomes Project 0.00060; 1000 Genomes Project 30x 0.00062.
gnomAD v4.1: 382 of 1,524,294 alleles (0.025%); highest among the groups gnomAD compares: South Asian, 0.11%; 2 homozygotes.

Submissions (3):

Labcorp Genetics (formerly Invitae), Labcorp
Classification: Benign for Left ventricular noncompaction 8. Last evaluated: 2025-06-11. Review status: criteria provided, single submitter. Criteria: Invitae Variant Classification Sherloc (09022015). Collection method: clinical testing. Allele origin: germline.

Blueprint Genetics
Classification: Likely benign. Last evaluated: 2024-10-18. Review status: criteria provided, single submitter. Criteria: ACMG Guidelines, 2015. Collection method: clinical testing. Allele origin: germline.

GeneDx
Classification: Likely benign. Last evaluated: 2017-07-19. Review status: criteria provided, single submitter. Criteria: GeneDx Variant Classification (06012015). Collection method: clinical testing. Allele origin: germline. Affected: yes.
Comment: This variant is considered likely benign or benign based on one or more of the following criteria: it is a conservative change, it occurs at a poorly conserved position in the protein, it is predicted to be benign by multiple in silico algorithms, and/or has population frequency not consistent with disease.

NM_022114.4(PRDM16):c.2468G>A (p.Arg823His)

Gene: PRDM16 (PR/SET domain 16; plus strand). Cytogenetic location: 1p36.32.
Variant type: single nucleotide variant.
Coding change: c.2468G>A on transcript NM_022114.4 (MANE Select); coding-DNA position 2468, G replaced by A.
Protein change: p.Arg823His; replaces arginine 823 with histidine.
Molecular consequence: missense variant.
Genome position (GRCh38, 1-based): chr1:3,412,665, G>A. VCF-style: chr1-3412665-G-A. GRCh37 (hg19) VCF-style: chr1-3329229-G-A.
Other names: c.2468G>A, p.Arg823His (NM_199454.3); short protein forms R823H.
Identifiers: ClinVar variation 510913 (VCV000510913.13), dbSNP rs371654192, ClinGen allele CA544487.